The following is an entry in ClinVar:

ClinVar aggregate classification (germline): Uncertain significance (1 of 4 stars; one submission).

Allele frequency attached by ClinVar (database versions not stated): gnomAD exomes 0.00006; ExAC 0.00012; 1000 Genomes Project 0.00060; gnomAD 0.00038; 1000 Genomes Project 30x 0.00047; TOPMed 0.00043; ESP Exome Variant Server 0.00050.
gnomAD v4.1: 151 of 1,613,988 alleles (0.0094%); highest among the groups gnomAD compares: Middle Eastern, 0.23%; 2 homozygotes.

Submission:

Labcorp Genetics (formerly Invitae), Labcorp
Classification: Uncertain significance. Last evaluated: 2025-12-24. Review status: criteria provided, single submitter. Criteria: Invitae Variant Classification Sherloc (09022015). Collection method: clinical testing. Allele origin: germline.
Comment: This sequence change replaces isoleucine, which is neutral and non-polar, with methionine, which is neutral and non-polar, at codon 1111 of the XPO5 protein (p.Ile1111Met). This variant is present in population databases (rs112085617, gnomAD 0.1%), and has an allele count higher than expected for a pathogenic variant. This variant has not been reported in the literature in individuals affected with XPO5-related conditions. ClinVar contains an entry for this variant (Variation ID: 2701371). An algorithm developed to predict the effect of missense changes on protein structure and function outputs the following: PolyPhen-2: "Benign". The methionine amino acid residue is found in multiple mammalian species, which suggests that this missense change does not adversely affect protein function. In summary, the available evidence is currently insufficient to determine the role of this variant in disease. Therefore, it has been classified as a Variant of Uncertain Significance.

NM_020750.3(XPO5):c.3333A>G (p.Ile1111Met)

Genes: POLR1C (RNA polymerase I and III subunit C; plus strand), XPO5 (exportin 5; minus strand). Cytogenetic location: 6p21.1.
Variant type: single nucleotide variant.
Coding change: c.3333A>G on transcript NM_020750.3 (MANE Select); coding-DNA position 3333, A replaced by G.
Protein change: p.Ile1111Met; replaces isoleucine 1111 with methionine.
Molecular consequence: missense variant. On other transcripts: non-coding transcript variant (1), intron variant (2).
Genome position (GRCh38, 1-based): chr6:43,524,615, T>C on the plus strand (A>G on the coding strand, the complement: XPO5 is on the minus strand). VCF-style: chr6-43524615-T-C. GRCh37 (hg19) VCF-style: chr6-43492353-T-C.
Other names: c.922+3567T>C (NM_001363658.2, NM_001318876.2); short protein forms I1111M.
Identifiers: ClinVar variation 2701371 (VCV002701371.3), dbSNP rs112085617, ClinGen allele CA3825810.